The following is an entry in ClinVar:

NM_177438.3(DICER1):c.5491T>C (p.Trp1831Arg)

Gene: DICER1 (dicer 1, ribonuclease III; minus strand). Cytogenetic location: 14q32.13.
Variant type: single nucleotide variant.
Coding change: c.5491T>C on transcript NM_177438.3 (MANE Select); coding-DNA position 5491, T replaced by C.
Protein change: p.Trp1831Arg; replaces tryptophan 1831 with arginine.
Molecular consequence: missense variant. On other transcripts: intron variant (1).
Genome position (GRCh38, 1-based): chr14:95,091,239, A>G on the plus strand (T>C on the coding strand, the complement: DICER1 is on the minus strand). VCF-style: chr14-95091239-A-G. GRCh37 (hg19) VCF-style: chr14-95557576-A-G.
Other names: c.5491T>C, p.Trp1831Arg (NM_001271282.3, NM_001291628.2, NM_030621.4); c.5365-130T>C (NM_001195573.1); short protein forms W1831R.
Identifiers: ClinVar variation 840363 (VCV000840363.11), dbSNP rs1889795191, ClinGen allele CA390864537.

ClinVar aggregate classification (germline): Uncertain significance (1 of 4 stars; one submission).

Conditions:
DICER1-related tumor predisposition. Also called: DICER1 syndrome; DICER1-related pleuropulmonary blastoma cancer predisposition syndrome. Identifiers: Orphanet 284343, MedGen C3839822, MONDO:0100216.

Submission:

Labcorp Genetics (formerly Invitae), Labcorp
Classification: Uncertain significance for DICER1-related tumor predisposition. Last evaluated: 2019-01-01. Review status: criteria provided, single submitter. Criteria: Invitae Variant Classification Sherloc (09022015). Collection method: clinical testing. Allele origin: germline.
Comment: This variant has not been reported in the literature in individuals with DICER1-related conditions. In summary, the available evidence is currently insufficient to determine the role of this variant in disease. Therefore, it has been classified as a Variant of Uncertain Significance. Algorithms developed to predict the effect of missense changes on protein structure and function (SIFT, PolyPhen-2, Align-GVGD) all suggest that this variant is likely to be disruptive, but these predictions have not been confirmed by published functional studies and their clinical significance is uncertain. This variant is not present in population databases (ExAC no frequency). This sequence change replaces tryptophan with arginine at codon 1831 of the DICER1 protein (p.Trp1831Arg). The tryptophan residue is highly conserved and there is a moderate physicochemical difference between tryptophan and arginine.